The following is an entry in ClinVar:

ClinVar aggregate classification (germline): Likely benign (1 of 4 stars; one submission).

Conditions:
Neurofibromatosis, type 1 (NF1). Also called: VON RECKLINGHAUSEN DISEASE; NEUROFIBROMATOSIS, TYPE I, SOMATIC; Peripheral type neurofibromatosis; Neurofibromatosis, type I. Identifiers: Orphanet 636, MedGen C0027831, MONDO:0018975, OMIM 162200. Disease mechanism: loss of function.

gnomAD v4.1: 7 of 1,578,808 alleles (0.00044%); highest among the groups gnomAD compares: African/African-American, 0.0094%; no homozygotes.

Submission:

Myriad Genetics, Inc.
Classification: Likely benign for Neurofibromatosis, type 1. Last evaluated: 2026-09-22. Review status: criteria provided, single submitter. Criteria: Myriad Autosomal Dominant, Autosomal Recessive and X-Linked Classification Criteria (2023). Collection method: clinical testing. Allele origin: unknown.
Comment: This variant is considered likely benign. This variant is intronic and is not expected to impact mRNA splicing.

NM_001042492.3(NF1):c.655-15G>A

Gene: NF1 (neurofibromin 1; plus strand). Cytogenetic location: 17q11.2.
Variant type: single nucleotide variant.
Coding change: c.655-15G>A on transcript NM_001042492.3 (MANE Select); 15 bases into the intron before coding-DNA position 655, G replaced by A.
Molecular consequence: intron variant.
Genome position (GRCh38, 1-based): chr17:31,181,695, G>A. VCF-style: chr17-31181695-G-A. GRCh37 (hg19) VCF-style: chr17-29508713-G-A.
Other names: c.655-15G>A (NM_000267.4, NM_001128147.3).
Identifiers: ClinVar variation 5042172 (VCV005042172.1).